The following is an entry in ClinVar:

ClinVar aggregate classification (germline): Uncertain significance. Review status: criteria provided, multiple submitters, no conflicts (2 of 4 stars). 4 submissions from 4 submitters: Uncertain significance (4). Last evaluated 2025-09-30.

Conditions:
Aicardi-Goutieres syndrome 2. Identifiers: Orphanet 51, MedGen C3489724, MONDO:0012429, OMIM 610181.

Allele frequency attached by ClinVar (database versions not stated): gnomAD exomes below 0.00001; TOPMed below 0.00001; gnomAD 0.00001.
gnomAD v4.1: 3 of 1,612,192 alleles (0.00019%); highest among the groups gnomAD compares: Admixed American, 0.005%; no homozygotes.

Submissions (4):

Myriad Genetics, Inc.
Classification: Uncertain significance for Aicardi-Goutieres syndrome 2. Last evaluated: 2025-09-30. Review status: criteria provided, single submitter. Criteria: Myriad Autosomal Dominant, Autosomal Recessive and X-Linked Classification Criteria (2023). Collection method: clinical testing. Allele origin: unknown.
Comment: NM_024570.3(RNASEH2B):c.253C>T(L85F) is a missense variant classified as a variant of uncertain significance in the context of Aicardi-Goutires syndrome, RNASEH2B-related. L85F has been observed in a case with relevant disease (PMID: 33084218). Relevant functional assessments of this variant are not available in the literature. L85F has been observed in referenced population frequency databases. In summary, there is insufficient evidence to classify NM_024570.3(RNASEH2B):c.253C>T(L85F) as pathogenic or benign. Please note: this variant was assessed in the context of healthy population screening.

Women's Health and Genetics/Laboratory Corporation of America, LabCorp
Classification: Uncertain significance. Last evaluated: 2025-01-24. Review status: criteria provided, single submitter. Criteria: LabCorp Variant Classification Summary - May 2015. Collection method: clinical testing. Allele origin: germline.
Comment: Variant summary: RNASEH2B c.253C>T (p.Leu85Phe) results in a non-conservative amino acid change in the encoded protein sequence. Four of five in-silico tools predict a damaging effect of the variant on protein function. The variant allele was found at a frequency of 4e-06 in 251400 control chromosomes. c.253C>T has been reported in the literature in at-least one homozygous individual affected with Aicardi Goutieres Syndrome (example: Salinas_2020). These data indicate that the variant may be associated with disease. To our knowledge, no experimental evidence demonstrating an impact on protein function has been reported. The following publication has been ascertained in the context of this evaluation (PMID: 33084218). ClinVar contains an entry for this variant (Variation ID: 982035). Based on the evidence outlined above, the variant was classified as VUS-possibly pathogenic.

Labcorp Genetics (formerly Invitae), Labcorp
Classification: Uncertain significance for Aicardi-Goutieres syndrome 2. Last evaluated: 2022-05-12. Review status: criteria provided, single submitter. Criteria: Invitae Variant Classification Sherloc (09022015). Collection method: clinical testing. Allele origin: germline.
Comment: This sequence change replaces leucine, which is neutral and non-polar, with phenylalanine, which is neutral and non-polar, at codon 85 of the RNASEH2B protein (p.Leu85Phe). This variant is present in population databases (no rsID available, gnomAD 0.003%). This missense change has been observed in individual(s) with RNASEH2B-related conditions (PMID: 33084218). ClinVar contains an entry for this variant (Variation ID: 982035). Algorithms developed to predict the effect of missense changes on protein structure and function are either unavailable or do not agree on the potential impact of this missense change (SIFT: "Deleterious"; PolyPhen-2: "Probably Damaging"; Align-GVGD: "Class C0"). In summary, the available evidence is currently insufficient to determine the role of this variant in disease. Therefore, it has been classified as a Variant of Uncertain Significance.

Consultorio y Laboratorio de Neurogenética, Hospital JM Ramos Mejia
Classification: Uncertain significance for Aicardi-Goutieres syndrome 2. Review status: criteria provided, single submitter. Criteria: Perez et al. (J Hum Genet. 2020). Collection method: clinical testing. Allele origin: unknown. Inheritance: Autosomal recessive inheritance. Affected: yes. Observed: 1 homozygote.

Literature cited by the submitters: PubMed 33084218 (cited by 3 submitters).

NM_024570.4(RNASEH2B):c.253C>T (p.Leu85Phe)

Gene: RNASEH2B (ribonuclease H2 subunit B; plus strand). Cytogenetic location: 13q14.3.
Variant type: single nucleotide variant.
Coding change: c.253C>T on transcript NM_024570.4 (MANE Select); coding-DNA position 253, C replaced by T.
Protein change: p.Leu85Phe; replaces leucine 85 with phenylalanine.
Molecular consequence: missense variant.
Genome position (GRCh38, 1-based): chr13:50,930,691, C>T. VCF-style: chr13-50930691-C-T. GRCh37 (hg19) VCF-style: chr13-51504827-C-T.
Other names: c.253C>T, p.Leu85Phe (NM_001142279.2); short protein forms L85F.
Identifiers: ClinVar variation 982035 (VCV000982035.9), dbSNP rs1262454987, ClinGen allele CA388258934.